The following is an entry in ClinVar:

ClinVar aggregate classification (germline): Likely benign. Review status: criteria provided, multiple submitters, no conflicts (2 of 4 stars). 5 submissions from 5 submitters: Likely benign (5). Last evaluated 2026-01-16.

Conditions:
Joubert syndrome. Also called: Familial aplasia of the vermis; JOUBERT-BOLTSHAUSER SYNDROME. Identifiers: Orphanet 475, MedGen C5979921, MONDO:0018772.
AHI1-related disorder. Also called: AHI1-related condition.

Allele frequency attached by ClinVar (database versions not stated): gnomAD 0.00007; gnomAD exomes 0.00008 and 0.00009; TOPMed 0.00008; ExAC 0.00010; ESP Exome Variant Server 0.00017.
gnomAD v4.1: 140 of 1,607,390 alleles (0.0087%); highest among the groups gnomAD compares: Middle Eastern, 0.016%; 3 homozygotes.

Submissions (5):

Labcorp Genetics (formerly Invitae), Labcorp
Classification: Likely benign for Joubert syndrome. Last evaluated: 2026-01-16. Review status: criteria provided, single submitter. Criteria: Invitae Variant Classification Sherloc (09022015). Collection method: clinical testing. Allele origin: germline.

CeGaT Center for Human Genetics Tuebingen
Classification: Likely benign. Last evaluated: 2026-01-01. Review status: criteria provided, single submitter. Criteria: CeGaT Center For Human Genetics Tuebingen Variant Classification Criteria Version 2. Collection method: clinical testing. Allele origin: germline. Affected: yes. Observed: 4 variant alleles.
Comment: AHI1: BP4, BP7

PreventionGenetics, part of Exact Sciences
Classification: Likely benign for AHI1-related condition. Last evaluated: 2025-03-17. Review status: criteria provided, single submitter. Criteria: ACMG Guidelines, 2015. Collection method: clinical testing. Allele origin: germline.
Comment: This variant is classified as likely benign based on ACMG/AMP sequence variant interpretation guidelines (Richards et al. 2015 PMID: 25741868, with internal and published modifications).

Blueprint Genetics
Classification: Likely benign. Last evaluated: 2024-09-30. Review status: criteria provided, single submitter. Criteria: ACMG Guidelines, 2015. Collection method: clinical testing. Allele origin: germline.

GeneDx
Classification: Likely benign. Last evaluated: 2017-05-15. Review status: criteria provided, single submitter. Criteria: GeneDx Variant Classification (06012015). Collection method: clinical testing. Allele origin: germline. Affected: yes.
Comment: This variant is considered likely benign or benign based on one or more of the following criteria: it is a conservative change, it occurs at a poorly conserved position in the protein, it is predicted to be benign by multiple in silico algorithms, and/or has population frequency not consistent with disease.

NM_001134831.2(AHI1):c.1593C>T (p.Tyr531=)

Gene: AHI1 (Abelson helper integration site 1; minus strand). Cytogenetic location: 6q23.3.
Variant type: single nucleotide variant.
Coding change: c.1593C>T on transcript NM_001134831.2 (MANE Select); coding-DNA position 1593, C replaced by T.
Protein change: p.Tyr531=; no amino-acid change (tyrosine 531 retained).
Molecular consequence: synonymous variant.
Genome position (GRCh38, 1-based): chr6:135,448,323, G>A on the plus strand (C>T on the coding strand, the complement: AHI1 is on the minus strand). VCF-style: chr6-135448323-G-A. GRCh37 (hg19) VCF-style: chr6-135769461-G-A.
Other names: c.1593C>T, p.Tyr531= (NM_001134830.2, NM_001134832.2, NM_001350503.2 and 2 more transcripts).
Identifiers: ClinVar variation 509484 (VCV000509484.29), dbSNP rs370332260, ClinGen allele CA4012563.
Genomic context (GRCh38, chr6:135,448,323, plus strand): 5'-TACACTTAATATGTACTATTAACTTACACAGTCTGGAACTTTCAGTCCTCTTACAGTTAC[G>A]TACAGTGTTGATGGGTAATGATTTCTTGGACATTTTGACCACCATTCAAATGCCTCAACA-3'
Protein context (NP_001128303.1, residues 521-541): CPRNHYPSTL[Tyr531=]VTVRGLKVPD